The following is an entry in ClinVar:

ClinVar aggregate classification (germline): Benign. Review status: criteria provided, single submitter (1 of 4 stars). 2 submissions from 2 submitters: Benign (1). 1 of the submissions does not count toward it. Last evaluated 2026-02-03.

Conditions:
PHIP-related disorder. Also called: PHIP-related disorders; PHIP-related condition.

Allele frequency attached by ClinVar (database versions not stated): gnomAD exomes 0.00206 and 0.00561; ExAC 0.00699; gnomAD 0.02135 and 0.02277; TOPMed 0.02386; 1000 Genomes Project 0.02396; 1000 Genomes Project 30x 0.02592; ESP Exome Variant Server 0.02630.
gnomAD v4.1: 6,383 of 1,607,844 alleles (0.4%); highest among the groups gnomAD compares: African/African-American, 7.2%; 202 homozygotes.

Submissions (2):

Labcorp Genetics (formerly Invitae), Labcorp
Classification: Benign. Last evaluated: 2026-02-03. Review status: criteria provided, single submitter. Criteria: Invitae Variant Classification Sherloc (09022015). Collection method: clinical testing. Allele origin: germline.

PreventionGenetics, part of Exact Sciences
Classification: Benign for PHIP-related condition. Last evaluated: 2019-10-01. Review status: no assertion criteria provided. Collection method: clinical testing. Allele origin: germline. Not counted in ClinVar's aggregate classification.
Comment: This variant is classified as benign based on ACMG/AMP sequence variant interpretation guidelines (Richards et al. 2015 PMID: 25741868, with internal and published modifications).

NM_017934.7(PHIP):c.564T>C (p.Cys188=)

Gene: PHIP (PHIP subunit of CUL4-Ring ligase complex; minus strand). Cytogenetic location: 6q14.1.
Variant type: single nucleotide variant.
Coding change: c.564T>C on transcript NM_017934.7 (MANE Select); coding-DNA position 564, T replaced by C.
Protein change: p.Cys188=; no amino-acid change (cysteine 188 retained).
Molecular consequence: synonymous variant.
Genome position (GRCh38, 1-based): chr6:79,042,879, A>G on the plus strand (T>C on the coding strand, the complement: PHIP is on the minus strand). VCF-style: chr6-79042879-A-G. GRCh37 (hg19) VCF-style: chr6-79752596-A-G.
Other names: c.564T>C (NM_017934.6).
Identifiers: ClinVar variation 780641 (VCV000780641.12), dbSNP rs35686657, ClinGen allele CA3900351.